The following is an entry in ClinVar:

NM_004268.5(MED17):c.999_1000del (p.Gln334fs)

Gene: MED17 (mediator complex subunit 17; plus strand). Cytogenetic location: 11q21.
Variant type: Microsatellite.
Coding change: c.999_1000del on transcript NM_004268.5 (MANE Select); coding-DNA positions 999 to 1000, 2 bases deleted (TC; older notation c.999_1000delTC).
Protein change: p.Gln334fs; shifts the reading frame from glutamine 334.
Molecular consequence: frameshift variant.
Genome position (GRCh38, 1-based): chr11:93,795,047-93,795,048, TC deleted; deleting any 2 consecutive bases within chr11:93,795,043-93,795,048 gives the same sequence; the c. name uses the placement nearest the transcript's 3' end. VCF-style (leftmost placement, unchanged base first): chr11-93795042-ATC-A. GRCh37 (hg19) VCF-style: chr11-93528208-ATC-A.
Other names: short protein forms Q334fs.
Identifiers: ClinVar variation 1070546 (VCV001070546.7), dbSNP rs2135713875, ClinGen allele CA2580616403.

ClinVar aggregate classification (germline): Pathogenic (1 of 4 stars; one submission).

Submission:

Labcorp Genetics (formerly Invitae), Labcorp
Classification: Pathogenic. Last evaluated: 2020-06-01. Review status: criteria provided, single submitter. Criteria: Invitae Variant Classification Sherloc (09022015). Collection method: clinical testing. Allele origin: germline.
Comment: For these reasons, this variant has been classified as Pathogenic. This sequence change creates a premature translational stop signal (p.Gln334Alafs*17) in the MED17 gene. It is expected to result in an absent or disrupted protein product. This variant is not present in population databases (ExAC no frequency). This variant has not been reported in the literature in individuals with MED17-related conditions. Loss-of-function variants in MED17 are known to be pathogenic (PMID: 20950787, 26004231, 30345598).

Literature cited by the submitters: PubMed 20950787; PubMed 26004231; PubMed 30345598.